The following is an entry in ClinVar:

NM_001009944.3(PKD1):c.12373C>T (p.Gln4125Ter)

Gene: PKD1 (polycystin 1, transient receptor potential channel interacting; minus strand). Cytogenetic location: 16p13.3.
Variant type: single nucleotide variant.
Coding change: c.12373C>T on transcript NM_001009944.3 (MANE Select); coding-DNA position 12373, C replaced by T.
Protein change: p.Gln4125Ter; replaces glutamine 4125 with a stop codon.
Molecular consequence: nonsense.
Genome position (GRCh38, 1-based): chr16:2,090,356, G>A on the plus strand (C>T on the coding strand, the complement: PKD1 is on the minus strand). VCF-style: chr16-2090356-G-A. GRCh37 (hg19) VCF-style: chr16-2140357-G-A.
Other names: c.12370C>T, p.Gln4124Ter (NM_000296.4); short protein forms Q4124*, Q4125*.
Identifiers: ClinVar variation 974402 (VCV000974402.6), dbSNP rs2091437893, ClinGen allele CA394325017.

ClinVar aggregate classification (germline): Pathogenic. Review status: criteria provided, multiple submitters, no conflicts (2 of 4 stars). 5 submissions from 5 submitters: Pathogenic (4). 1 of the submissions does not count toward it. Last evaluated 2022-01-02.

Conditions:
PKD1-related disorder. Also called: PKD1-related condition.
Polycystic kidney disease. Also called: Polycystic kidney dysplasia; Kidney, Polycystic. Identifiers: MedGen C0022680, MeSH D007690, MONDO:0020642, HP:0000113.
Polycystic kidney disease, adult type (PKD1). Also called: POLYCYSTIC KIDNEY DISEASE, ADULT, TYPE I; Polycystic Kidney, Autosomal Dominant; POLYCYSTIC KIDNEY DISEASE 1 WITH OR WITHOUT POLYCYSTIC LIVER DISEASE; Polycystic Kidney Disease 1, Autosomal Dominant; Polycystic kidney disease 1; Polycystic kidney disease 1, severe. Identifiers: MedGen C3149841, MONDO:0008263, OMIM 173900.

Submissions (5):

Fulgent Genetics
Classification: Pathogenic for Polycystic kidney disease, adult type. Last evaluated: 2022-01-02. Review status: criteria provided, single submitter. Criteria: ACMG Guidelines, 2015. Collection method: clinical testing. Allele origin: unknown.

Molecular Biology Laboratory, Fundació Puigvert
Classification: Pathogenic for Polycystic kidney disease, adult type. Last evaluated: 2020-02-01. Review status: criteria provided, single submitter. Criteria: ACMG Guidelines, 2015. Collection method: research. Allele origin: paternal. Affected: yes. Study: KidneyPanel_2020.

Blueprint Genetics
Classification: Pathogenic for PKD1-related disorders. Last evaluated: 2019-07-19. Review status: criteria provided, single submitter. Criteria: ACMG Guidelines, 2015. Collection method: clinical testing. Allele origin: germline. Affected: yes. Observed: 1 variant allele.

Juno Genomics, Hangzhou Juno Genomics, Inc
Classification: Pathogenic for Polycystic kidney disease, adult type. Review status: criteria provided, single submitter. Criteria: ACMG Guidelines, 2015. Collection method: clinical testing. Allele origin: germline. Affected: yes.
Comment: Absent from controls (or at extremely low frequency if recessive) in Genome Aggregation Database, Exome Sequencing Project, 1000 Genomes Project, or Exome Aggregation Consortium.;Null variant in a gene where loss of function (LOF) is a known mechanism of disease.;The prevalence of the variant in affected individuals is significantly increased compared to the prevalence in controls.

Department of Pathology and Laboratory Medicine, Sinai Health System
Classification: Pathogenic for Polycystic Kidney disease. Review status: no assertion criteria provided. Collection method: clinical testing. Allele origin: unknown. Affected: yes. Observed: 1 variant allele. Study: The Canadian Open Genetics Repository (COGR). Not counted in ClinVar's aggregate classification.
Comment: The PKD1 p.Gln4125X variant was identified in 4 of 1006 proband chromosomes (frequency: 0.004) from individuals or families with ADPKD (Badenas 1999, Daniells 1998, Mizoguchi 2001). The variant was also identified in ADPKD Mutation Database (classified as definitely pathogenic). The variant was not identified in dbSNP, ClinVar, Clinvitae, GeneInsight-COGR, LOVD 3.0, PKD1-LOVD, databases. The variant was not identified in the following control databases: the 1000 Genomes Project, the NHLBI GO Exome Sequencing Project, the Exome Aggregation Consortium (August 8th 2016), or the Genome Aggregation Database (Feb 27, 2017). The p.Gln4125X variant leads to a premature stop codon at position 4125 which is predicted to lead to a truncated or absent protein and loss of function. Loss of function variants of the PKD1 gene are an established mechanism of disease in ADPKD and is the type of variant expected to cause the disorder. In summary, based on the above information, this variant meets our laboratoryâ€šÃ„Ã´s criteria to be classified as pathogenic.

Literature cited by the submitters: PubMed 33532864 (cited by Molecular Biology Laboratory, Fundació Puigvert).